The following is an entry in ClinVar:

ClinVar aggregate classification (germline): Likely pathogenic (1 of 4 stars; one submission).

Conditions:
Polydactyly, postaxial, type a7. Identifiers: MedGen C4539976, MONDO:0060550, OMIM 617642.

Submission:

Baylor Genetics
Classification: Likely pathogenic for Polydactyly, postaxial, type a7. Last evaluated: 2020-06-03. Review status: criteria provided, single submitter. Criteria: ACMG Guidelines, 2015. Collection method: clinical testing. Allele origin: unknown. Affected: yes.
Comment: This variant was determined to be likely pathogenic according to ACMG Guidelines, 2015 [PMID:25741868].

NM_152558.5(IQCE):c.3G>A (p.Met1Ile)

Genes: IQCE (IQ motif containing E; plus strand), LOC129997827 (ATAC-STARR-seq lymphoblastoid silent region 17880; plus strand). Cytogenetic location: 7p22.3.
Variant type: single nucleotide variant.
Coding change: c.3G>A on transcript NM_152558.5 (MANE Select); coding-DNA position 3, G replaced by A.
Protein change: p.Met1Ile; changes the start codon (methionine 1).
Molecular consequence: missense variant, initiator codon variant. On other transcripts: 5 prime UTR variant (2).
Genome position (GRCh38, 1-based): chr7:2,559,184, G>A. VCF-style: chr7-2559184-G-A. GRCh37 (hg19) VCF-style: chr7-2598818-G-A.
Other names: c.3G>A, p.Met1Ile (NM_001287500.2, NM_001287499.2); c.-99G>A (NM_001287501.2, NM_001287502.2); short protein forms M1I.
Identifiers: ClinVar variation 1030264 (VCV001030264.2), dbSNP rs1298717770, ClinGen allele CA366606523.